The following is an entry in ClinVar:

ClinVar aggregate classification (germline): Uncertain significance. Review status: reviewed by expert panel (3 of 4 stars). 2 submissions from 2 submitters: Uncertain significance (1). 1 of the submissions does not count toward it. Last evaluated 2024-06-06.

Conditions:
Glanzmann thrombasthenia. Also called: BLEEDING DISORDER, PLATELET-TYPE, 2; THROMBASTHENIA OF GLANZMANN AND NAEGELI; Thrombasthenia; PLATELET GLYCOPROTEIN IIb-IIIa DEFICIENCY; Glanzmann's thrombasthenia. Identifiers: Orphanet 849, MedGen C0040015, MONDO:0100326.

Allele frequency attached by ClinVar (database versions not stated): gnomAD exomes 0.00001.
gnomAD v4.1: 6 of 1,597,716 alleles (0.00038%); highest among the groups gnomAD compares: Non-Finnish European, 0.00051%; no homozygotes.

Submissions (2):

ClinGen Platelet Disorders Variant Curation Expert Panel, ClinGen
Classification: Uncertain significance for Glanzmann thrombasthenia. Last evaluated: 2024-06-06. Review status: reviewed by expert panel. Criteria: ClinGen Platelet ACMG Specifications v2-1. Collection method: curation. Allele origin: germline. Inheritance: Autosomal recessive inheritance.
Comment: The NM_000419.5(ITGA2B):c.2569T>C (p.Cys857Arg) missense variant is predicted deleterious with a REVEL score of 0.741 (PP3). The highest population minor allele frequency in gnomAD v4.0 is 0.000007875 (6/761904 alleles) in the European (non-Finnish) population, which is lower than the ClinGen PD VCEP threshold (<0.0001; PM2_Supporting). It reported in one patient stated to have a disease of platelet function (PMID: 31064749) but information was insufficient or inconsistent to apply any evidence for this patient. Cys857Arg occurs at the same amino acid residue as Cys857Phe which is also classified by the PD-VCEP as VUS. In summary, based on the evidence available at this time, the variant is classified as uncertain significance. GT-specific criteria applied: PM2_supporting and PP3.

NIHR Bioresource Rare Diseases, University of Cambridge
Classification: Uncertain significance for Glanzmann thrombasthenia 1. Last evaluated: 2019-02-01. Review status: criteria provided, single submitter. Criteria: ACMG Guidelines, 2015. Collection method: research. Allele origin: unknown. Affected: yes. Observed: 1 heterozygote. Study: ThromboGenomics. Not counted in ClinVar's aggregate classification.

Literature cited by the submitters: PubMed 31064749 (cited by NIHR Bioresource Rare Diseases, University of Cambridge).

NM_000419.5(ITGA2B):c.2569T>C (p.Cys857Arg)

Gene: ITGA2B (integrin subunit alpha 2b; minus strand). Cytogenetic location: 17q21.31.
Variant type: single nucleotide variant.
Coding change: c.2569T>C on transcript NM_000419.5 (MANE Select); coding-DNA position 2569, T replaced by C.
Protein change: p.Cys857Arg; replaces cysteine 857 with arginine.
Molecular consequence: missense variant.
Genome position (GRCh38, 1-based): chr17:44,375,865, A>G on the plus strand (T>C on the coding strand, the complement: ITGA2B is on the minus strand). VCF-style: chr17-44375865-A-G. GRCh37 (hg19) VCF-style: chr17-42453233-A-G.
Other names: c.2569T>C (LRG_479t1); short protein forms C857R.
Identifiers: ClinVar variation 627288 (VCV000627288.4), dbSNP rs1598376647, ClinGen allele CA399794416.